The following is an entry in ClinVar:

NM_017671.5(FERMT1):c.824A>G (p.Tyr275Cys)

Gene: FERMT1 (FERM domain containing kindlin 1; minus strand). Cytogenetic location: 20p12.3.
Variant type: single nucleotide variant.
Coding change: c.824A>G on transcript NM_017671.5 (MANE Select); coding-DNA position 824, A replaced by G.
Protein change: p.Tyr275Cys; replaces tyrosine 275 with cysteine.
Molecular consequence: missense variant.
Genome position (GRCh38, 1-based): chr20:6,107,557, T>C on the plus strand (A>G on the coding strand, the complement: FERMT1 is on the minus strand). VCF-style: chr20-6107557-T-C. GRCh37 (hg19) VCF-style: chr20-6088204-T-C.
Other names: short protein forms Y275C.
Identifiers: ClinVar variation 4763480 (VCV004763480.1).

ClinVar aggregate classification (germline): Uncertain significance (1 of 4 stars; one submission).

Submission:

Labcorp Genetics (formerly Invitae), Labcorp
Classification: Uncertain significance. Last evaluated: 2025-10-04. Review status: criteria provided, single submitter. Criteria: Invitae Variant Classification Sherloc (09022015). Collection method: clinical testing. Allele origin: germline.
Comment: This sequence change replaces tyrosine, which is neutral and polar, with cysteine, which is neutral and slightly polar, at codon 275 of the FERMT1 protein (p.Tyr275Cys). This variant is not present in population databases (gnomAD no frequency). This variant has not been reported in the literature in individuals affected with FERMT1-related conditions. Invitae Evidence Modeling of protein sequence and biophysical properties (such as structural, functional, and spatial information, amino acid conservation, physicochemical variation, residue mobility, and thermodynamic stability) indicates that this missense variant is not expected to disrupt FERMT1 protein function with a negative predictive value of 80%. In summary, the available evidence is currently insufficient to determine the role of this variant in disease. Therefore, it has been classified as a Variant of Uncertain Significance.